The following is an entry in ClinVar:

NM_016203.4(PRKAG2):c.100C>T (p.Arg34Cys)

Gene: PRKAG2 (protein kinase AMP-activated non-catalytic subunit gamma 2; minus strand). Cytogenetic location: 7q36.1.
Variant type: single nucleotide variant.
Coding change: c.100C>T on transcript NM_016203.4 (MANE Select); coding-DNA position 100, C replaced by T.
Protein change: p.Arg34Cys; replaces arginine 34 with cysteine.
Molecular consequence: missense variant.
Genome position (GRCh38, 1-based): chr7:151,876,521, G>A on the plus strand (C>T on the coding strand, the complement: PRKAG2 is on the minus strand). VCF-style: chr7-151876521-G-A. GRCh37 (hg19) VCF-style: chr7-151573606-G-A.
Other names: c.100C>T, p.Arg34Cys (NM_001407021.1, NM_001407022.1, NM_001407023.1 and 2 more transcripts); short protein forms R34C.
Identifiers: ClinVar variation 1796683 (VCV001796683.3), dbSNP rs1318843859, ClinGen allele CA370071863.

ClinVar aggregate classification (germline): Uncertain significance (1 of 4 stars; one submission).

Conditions:
Cardiovascular phenotype. Identifiers: MedGen CN230736.

Allele frequency attached by ClinVar (database versions not stated): TOPMed below 0.00001.

Submission:

Ambry Genetics
Classification: Uncertain significance for Cardiovascular phenotype. Last evaluated: 2024-10-09. Review status: criteria provided, single submitter. Criteria: Ambry Variant Classification Scheme 2023. Collection method: clinical testing. Allele origin: germline.
Comment: The p.R34C variant (also known as c.100C>T), located in coding exon 1 of the PRKAG2 gene, results from a C to T substitution at nucleotide position 100. The arginine at codon 34 is replaced by cysteine, an amino acid with highly dissimilar properties. This amino acid position is conserved. In addition, the in silico prediction for this alteration is inconclusive. Since supporting evidence is limited at this time, the clinical significance of this alteration remains unclear.